The following is an entry in ClinVar:

ClinVar aggregate classification (germline): Uncertain significance (1 of 4 stars; one submission).

Conditions:
Cardiovascular phenotype. Identifiers: MedGen CN230736.

Submission:

Ambry Genetics
Classification: Uncertain significance for Cardiovascular phenotype. Last evaluated: 2024-08-11. Review status: criteria provided, single submitter. Criteria: Ambry Variant Classification Scheme 2023. Collection method: clinical testing. Allele origin: germline.
Comment: The p.D460G variant (also known as c.1379A>G), located in coding exon 9 of the CBL gene, results from an A to G substitution at nucleotide position 1379. The aspartic acid at codon 460 is replaced by glycine, an amino acid with similar properties. This amino acid position is conserved. In addition, the in silico prediction for this alteration is inconclusive. Based on the available evidence, the clinical significance of this variant remains unclear.

NM_005188.4(CBL):c.1379A>G (p.Asp460Gly)

Gene: CBL (Cbl proto-oncogene; plus strand). Cytogenetic location: 11q23.3.
Variant type: single nucleotide variant.
Coding change: c.1379A>G on transcript NM_005188.4 (MANE Select); coding-DNA position 1379, A replaced by G.
Protein change: p.Asp460Gly; replaces aspartic acid 460 with glycine.
Molecular consequence: missense variant.
Genome position (GRCh38, 1-based): chr11:119,278,661, A>G. VCF-style: chr11-119278661-A-G. GRCh37 (hg19) VCF-style: chr11-119149371-A-G.
Other names: short protein forms D460G.
Identifiers: ClinVar variation 3485585 (VCV003485585.1).